The following is an entry in ClinVar:

NM_000308.4(CTSA):c.989C>T (p.Pro330Leu)

Gene: CTSA (cathepsin A; plus strand). Cytogenetic location: 20q13.12.
Variant type: single nucleotide variant.
Coding change: c.989C>T on transcript NM_000308.4 (MANE Select); coding-DNA position 989, C replaced by T.
Protein change: p.Pro330Leu; replaces proline 330 with leucine.
Molecular consequence: missense variant. On other transcripts: non-coding transcript variant (1).
Genome position (GRCh38, 1-based): chr20:45,895,034, C>T. VCF-style: chr20-45895034-C-T. GRCh37 (hg19) VCF-style: chr20-44523673-C-T.
Other names: c.989C>T, p.Pro330Leu (NM_001127695.3); c.938C>T, p.Pro313Leu (NM_001167594.3); short protein forms P313L, P330L.
Identifiers: ClinVar variation 5006380 (VCV005006380.2).

ClinVar aggregate classification (germline): Uncertain significance (1 of 4 stars; one submission).

Conditions:
Combined deficiency of sialidase AND beta galactosidase (GSL). Also called: CATHEPSIN A DEFICIENCY; PPCA DEFICIENCY; PROTECTIVE PROTEIN/CATHEPSIN A DEFICIENCY; Galactosialidosis; GOLDBERG SYNDROME; NEURAMINIDASE DEFICIENCY WITH BETA-GALACTOSIDASE DEFICIENCY. Identifiers: Orphanet 351, MedGen C0268233, MONDO:0009737, OMIM 256540.

gnomAD v4.1: 2 of 1,614,056 alleles (0.00012%); highest among the groups gnomAD compares: Non-Finnish European, 0.00017%; no homozygotes.

Submission:

Juno Genomics, Hangzhou Juno Genomics, Inc
Classification: Uncertain significance for Combined deficiency of sialidase AND beta galactosidase. Review status: criteria provided, single submitter. Criteria: ACMG Guidelines, 2015. Collection method: clinical testing. Allele origin: germline.
Comment: Absent from controls (or at extremely low frequency if recessive) in Genome Aggregation Database.;Multiple lines of computational evidence support a deleterious effect on the gene or gene product.